The following is an entry in ClinVar:

NM_032525.3(TUBB6):c.934A>G (p.Thr312Ala)

Gene: TUBB6 (tubulin beta 6 class V; plus strand). Cytogenetic location: 18p11.21.
Variant type: single nucleotide variant.
Coding change: c.934A>G on transcript NM_032525.3 (MANE Select); coding-DNA position 934, A replaced by G.
Protein change: p.Thr312Ala; replaces threonine 312 with alanine.
Molecular consequence: missense variant. On other transcripts: intron variant (1).
Genome position (GRCh38, 1-based): chr18:12,325,723, A>G. VCF-style: chr18-12325723-A-G. GRCh37 (hg19) VCF-style: chr18-12325722-A-G.
Other names: c.934A>G, p.Thr312Ala (NM_001303524.1); c.823A>G, p.Thr275Ala (NM_001303526.2); c.718A>G, p.Thr240Ala (NM_001303527.2); c.739A>G, p.Thr247Ala (NM_001303528.2); c.496A>G, p.Thr166Ala (NM_001303529.3, NM_001303530.3); c.278-3423A>G (NM_001303525.2); short protein forms T166A, T240A, T247A, T275A, T312A.
Identifiers: ClinVar variation 3038475 (VCV003038475.2), dbSNP rs138139116, ClinGen allele CA8896110.

ClinVar aggregate classification (germline): Benign (0 of 4 stars; one submission).

Conditions:
TUBB6-related disorder. Also called: TUBB6-related condition.

Allele frequency attached by ClinVar (database versions not stated): TOPMed 0.00107; gnomAD 0.00111; ExAC 0.00117; ESP Exome Variant Server 0.00131; gnomAD exomes 0.00143.

Submission:

PreventionGenetics, part of Exact Sciences
Classification: Benign for TUBB6-related condition. Last evaluated: 2019-09-25. Review status: no assertion criteria provided. Collection method: clinical testing. Allele origin: germline.
Comment: This variant is classified as benign based on ACMG/AMP sequence variant interpretation guidelines (Richards et al. 2015 PMID: 25741868, with internal and published modifications).